The following is an entry in ClinVar:

NM_004991.4(MECOM):c.595A>G (p.Met199Val)

Gene: MECOM (MDS1 and EVI1 complex locus; minus strand). Cytogenetic location: 3q26.2.
Variant type: single nucleotide variant.
Coding change: c.595A>G on transcript NM_004991.4 (MANE Select); coding-DNA position 595, A replaced by G.
Protein change: p.Met199Val; replaces methionine 199 with valine.
Molecular consequence: missense variant.
Genome position (GRCh38, 1-based): chr3:169,131,447, T>C on the plus strand (A>G on the coding strand, the complement: MECOM is on the minus strand). VCF-style: chr3-169131447-T-C. GRCh37 (hg19) VCF-style: chr3-168849235-T-C.
Other names: c.223A>G, p.Met75Val (NM_001105077.4); c.31A>G, p.Met11Val (NM_001105078.4, NM_001163999.2, NM_001164000.2 and 9 more transcripts); c.595A>G, p.Met199Val (NM_001366466.2, NM_001366473.2); short protein forms M199V, M11V, M75V.
Identifiers: ClinVar variation 4053308 (VCV004053308.1).

ClinVar aggregate classification (germline): Uncertain significance (1 of 4 stars; one submission).

Conditions:
Inborn genetic diseases. Identifiers: MedGen C0950123, MeSH D030342.

Submission:

Ambry Genetics
Classification: Uncertain significance for Inborn genetic diseases. Last evaluated: 2025-05-31. Review status: criteria provided, single submitter. Criteria: Ambry Variant Classification Scheme 2023. Collection method: clinical testing. Allele origin: germline.
Comment: The p.M199V variant (also known as c.595A>G), located in coding exon 4 of the MECOM gene, results from an A to G substitution at nucleotide position 595. The methionine at codon 199 is replaced by valine, an amino acid with highly similar properties. This amino acid position is conserved. In addition, the in silico prediction for this alteration is inconclusive. Based on the available evidence, the clinical significance of this variant remains unclear.